The following is an entry in ClinVar:

ClinVar aggregate classification (germline): Uncertain significance (1 of 4 stars; one submission).

Conditions:
SNTG1-related disorder. Also called: SNTG1-related condition.

gnomAD v4.1: 5 of 1,603,872 alleles (0.00031%); highest among the groups gnomAD compares: Admixed American, 0.0068%; no homozygotes.

Submission:

PreventionGenetics, part of Exact Sciences
Classification: Uncertain significance for SNTG1-related condition. Last evaluated: 2025-05-07. Review status: criteria provided, single submitter. Criteria: ACMG Guidelines, 2015. Collection method: clinical testing. Allele origin: germline.
Comment: The SNTG1 c.1398G>T variant is predicted to result in the amino acid substitution p.Glu466Asp. To our knowledge, this variant has not been reported in the literature. This variant is reported in 0.0030% of alleles in individuals of Latino descent in gnomAD. At this time, the clinical significance of this variant is uncertain due to the absence of conclusive functional and genetic evidence.

NM_018967.5(SNTG1):c.1398G>T (p.Glu466Asp)

Gene: SNTG1 (syntrophin gamma 1; plus strand). Cytogenetic location: 8q11.21.
Variant type: single nucleotide variant.
Coding change: c.1398G>T on transcript NM_018967.5 (MANE Select); coding-DNA position 1398, G replaced by T.
Protein change: p.Glu466Asp; replaces glutamic acid 466 with aspartic acid.
Molecular consequence: missense variant. On other transcripts: non-coding transcript variant (4).
Genome position (GRCh38, 1-based): chr8:50,792,673, G>T. VCF-style: chr8-50792673-G-T. GRCh37 (hg19) VCF-style: chr8-51705233-G-T.
Other names: c.1398G>T, p.Glu466Asp (NM_001287813.3, NM_001321773.2); c.1287G>T, p.Glu429Asp (NM_001287814.3); short protein forms E429D, E466D.
Identifiers: ClinVar variation 4979296 (VCV004979296.1).